The following is an entry in ClinVar:

NM_022124.6(CDH23):c.5632_5637del (p.Ala1878_Asp1879del)

Gene: CDH23 (cadherin related 23; plus strand). Cytogenetic location: 10q22.1.
Variant type: Deletion.
Coding change: c.5632_5637del on transcript NM_022124.6 (MANE Select); coding-DNA positions 5632 to 5637, 6 bases deleted (GCTGAC; older notation c.5632_5637delGCTGAC).
Protein change: p.Ala1878_Asp1879del.
Molecular consequence: inframe deletion.
Genome position (GRCh38, 1-based): chr10:71,785,020-71,785,025, GCTGAC deleted; deleting any 6 consecutive bases within chr10:71,785,016-71,785,025 gives the same sequence; the c. name uses the placement nearest the transcript's 3' end. VCF-style (leftmost placement, unchanged base first): chr10-71785015-GTGACGC-G. GRCh37 (hg19) VCF-style: chr10-73544772-GTGACGC-G.
Identifiers: ClinVar variation 958896 (VCV000958896.9), dbSNP rs1841061696, ClinGen allele CA1139661498.

ClinVar aggregate classification (germline): Uncertain significance (1 of 4 stars; one submission).

Submission:

Labcorp Genetics (formerly Invitae), Labcorp
Classification: Uncertain significance. Last evaluated: 2025-04-16. Review status: criteria provided, single submitter. Criteria: Invitae Variant Classification Sherloc (09022015). Collection method: clinical testing. Allele origin: germline.
Comment: This variant, c.5632_5637del, results in the deletion of 2 amino acid(s) of the CDH23 protein (p.Ala1878_Asp1879del), but otherwise preserves the integrity of the reading frame. This variant is not present in population databases (gnomAD no frequency). This variant has not been reported in the literature in individuals affected with CDH23-related conditions. ClinVar contains an entry for this variant (Variation ID: 958896). Experimental studies and prediction algorithms are not available or were not evaluated, and the functional significance of this variant is currently unknown. In summary, the available evidence is currently insufficient to determine the role of this variant in disease. Therefore, it has been classified as a Variant of Uncertain Significance.